The following is an entry in ClinVar:

ClinVar aggregate classification (germline): Benign/Likely benign. Review status: criteria provided, multiple submitters, no conflicts (2 of 4 stars). 3 submissions from 3 submitters: Benign (1); Likely benign (2). Last evaluated 2025-07-31.

Conditions:
Hereditary cancer-predisposing syndrome. Also called: Hereditary neoplastic syndrome; Hereditary Cancer Syndrome; Tumor predisposition; Neoplastic Syndromes, Hereditary. Identifiers: Orphanet 140162, MedGen C0027672, MeSH D009386, MONDO:0015356.
Hereditary nonpolyposis colorectal neoplasms. Identifiers: MedGen C0009405, MeSH D003123.
Lynch syndrome 5 (LYNCH5). Also called: Hereditary non-polyposis colorectal cancer, type 5; Colorectal cancer, hereditary nonpolyposis, type 5. Identifiers: Orphanet 144, MedGen C1833477, MONDO:0013710, OMIM 614350. Disease mechanism: loss of function.

Submissions (3):

Ambry Genetics
Classification: Likely benign for Hereditary cancer-predisposing syndrome. Last evaluated: 2025-07-31. Review status: criteria provided, single submitter. Criteria: Ambry Variant Classification Scheme 2023. Collection method: clinical testing. Allele origin: germline.

Myriad Genetics, Inc.
Classification: Benign for Lynch syndrome 5. Last evaluated: 2024-12-27. Review status: criteria provided, single submitter. Criteria: Myriad Autosomal Dominant, Autosomal Recessive and X-Linked Classification Criteria (2023). Collection method: clinical testing. Allele origin: unknown.
Comment: This variant is considered benign. This variant is a silent/synonymous amino acid change and it is not expected to impact splicing.

Labcorp Genetics (formerly Invitae), Labcorp
Classification: Likely benign for Hereditary nonpolyposis colorectal neoplasms. Last evaluated: 2020-02-02. Review status: criteria provided, single submitter. Criteria: Invitae Variant Classification Sherloc (09022015). Collection method: clinical testing. Allele origin: germline.

NM_000179.3(MSH6):c.1680T>C (p.Phe560=)

Gene: MSH6 (mutS homolog 6; plus strand). Cytogenetic location: 2p16.3.
Variant type: single nucleotide variant.
Coding change: c.1680T>C on transcript NM_000179.3 (MANE Select); coding-DNA position 1680, T replaced by C.
Protein change: p.Phe560=; no amino-acid change (phenylalanine 560 retained).
Molecular consequence: synonymous variant.
Genome position (GRCh38, 1-based): chr2:47,799,663, T>C. VCF-style: chr2-47799663-T-C. GRCh37 (hg19) VCF-style: chr2-48026802-T-C.
Other names: c.1290T>C, p.Phe430= (NM_001281492.2); c.774T>C, p.Phe258= (NM_001281493.2, NM_001281494.2); c.1680T>C (NM_000179.2).
Identifiers: ClinVar variation 1153648 (VCV001153648.11), dbSNP rs1669361204, ClinGen allele CA426121495.
Genomic context (GRCh38, chr2:47,799,663, plus strand): 5'-TAGCCTCAAAGAAAAAGAGGAAGATTCTTCTGGCCATACTCGTGCATATGGTGTGTGCTT[T>C]GTTGATACTTCACTGGGAAAGTTTTTCATAGGTCAGTTTTCAGATGATCGCCATTGTTCG-3'
Protein context (NP_000170.1, residues 550-570): SGHTRAYGVC[Phe560=]VDTSLGKFFI